The following is an entry in ClinVar:

ClinVar aggregate classification (germline): Uncertain significance (1 of 4 stars; one submission).

Conditions:
Fanconi anemia (FA). Also called: Fanconi's anemia. Identifiers: Orphanet 84, MedGen C0015625, MeSH D005199, MONDO:0019391.

Submission:

Labcorp Genetics (formerly Invitae), Labcorp
Classification: Uncertain significance for Fanconi anemia. Last evaluated: 2022-07-16. Review status: criteria provided, single submitter. Criteria: Invitae Variant Classification Sherloc (09022015). Collection method: clinical testing. Allele origin: germline.
Comment: In summary, the available evidence is currently insufficient to determine the role of this variant in disease. Therefore, it has been classified as a Variant of Uncertain Significance. Advanced modeling of protein sequence and biophysical properties (such as structural, functional, and spatial information, amino acid conservation, physicochemical variation, residue mobility, and thermodynamic stability) performed at Invitae indicates that this missense variant is not expected to disrupt FANCA protein function. This variant has not been reported in the literature in individuals affected with FANCA-related conditions. This variant is not present in population databases (gnomAD no frequency). This sequence change replaces arginine, which is basic and polar, with glutamine, which is neutral and polar, at codon 52 of the FANCA protein (p.Arg52Gln).

NM_000135.4(FANCA):c.155G>A (p.Arg52Gln)

Gene: FANCA (FA complementation group A; minus strand). Cytogenetic location: 16q24.3.
Variant type: single nucleotide variant.
Coding change: c.155G>A on transcript NM_000135.4 (MANE Select); coding-DNA position 155, G replaced by A.
Protein change: p.Arg52Gln; replaces arginine 52 with glutamine.
Molecular consequence: missense variant.
Genome position (GRCh38, 1-based): chr16:89,815,911, C>T on the plus strand (G>A on the coding strand, the complement: FANCA is on the minus strand). VCF-style: chr16-89815911-C-T. GRCh37 (hg19) VCF-style: chr16-89882319-C-T.
Other names: c.155G>A, p.Arg52Gln (NM_001018112.3, NM_001286167.3, NM_001351830.2); short protein forms R52Q.
Identifiers: ClinVar variation 2144422 (VCV002144422.4), dbSNP rs2143723686, ClinGen allele CA397483327.